The following is an entry in ClinVar:

ClinVar aggregate classification (germline): Pathogenic (1 of 4 stars; one submission).

Submission:

Labcorp Genetics (formerly Invitae), Labcorp
Classification: Pathogenic. Last evaluated: 2020-04-10. Review status: criteria provided, single submitter. Criteria: Invitae Variant Classification Sherloc (09022015). Collection method: clinical testing. Allele origin: germline.
Comment: This sequence change creates a premature translational stop signal (p.Ser360Phefs*18) in the GLMN gene. It is expected to result in an absent or disrupted protein product. For these reasons, this variant has been classified as Pathogenic. Loss-of-function variants in GLMN are known to be pathogenic (PMID: 23801931). This variant has not been reported in the literature in individuals with GLMN-related conditions. This variant is not present in population databases (ExAC no frequency).

Literature cited by the submitters: PubMed 23801931.

NM_053274.3(GLMN):c.1078_1079del (p.Ser360fs)

Gene: GLMN (glomulin, FKBP associated protein; minus strand). Cytogenetic location: 1p22.1.
Variant type: Microsatellite.
Coding change: c.1078_1079del on transcript NM_053274.3 (MANE Select); coding-DNA positions 1078 to 1079, 2 bases deleted (AG; older notation c.1078_1079delAG).
Protein change: p.Ser360fs; shifts the reading frame from serine 360.
Molecular consequence: frameshift variant. On other transcripts: non-coding transcript variant (1).
Genome position (GRCh38, 1-based): chr1:92,267,932-92,267,933, CT deleted on the plus strand (AG on the coding strand, the reverse complement: GLMN is on the minus strand); deleting any 2 consecutive bases within chr1:92,267,932-92,267,935 gives the same sequence; the c. name uses the placement nearest the transcript's 3' end. VCF-style (leftmost placement, unchanged base first): chr1-92267931-ACT-A. GRCh37 (hg19) VCF-style: chr1-92733488-ACT-A.
Other names: c.1078_1079del, p.Ser360fs (NM_001319683.2); short protein forms S360fs.
Identifiers: ClinVar variation 1073647 (VCV001073647.7), dbSNP rs2100903095, ClinGen allele CA2580611462.
Genomic context (GRCh38, chr1:92,267,931, plus strand): 5'-GCAAAGGGCTATTTTCAATATTAGAATACATATTTTATTTACCTGAGGTACAGTAAGAAA[ACT>A]CTTGATTTCTAAGTACTGGTAAAGTAGACTATTGTCTTCTATTCTCAATAAACTATTCTC-3'